The following is an entry in ClinVar:

ClinVar aggregate classification (germline): Pathogenic. Review status: reviewed by expert panel (3 of 4 stars). 3 submissions from 3 submitters: Pathogenic (1). 2 of the submissions do not count toward it. Last evaluated 2016-10-18.

Conditions:
Breast-ovarian cancer, familial, susceptibility to, 2 (BROVCA2). Also called: BRCA2 Hereditary Breast and Ovarian Cancer. Identifiers: Orphanet 145, MedGen C2675520, MONDO:0012933, OMIM 612555. Disease mechanism: loss of function.
Hereditary cancer-predisposing syndrome. Also called: Neoplastic Syndromes, Hereditary; Tumor predisposition; Hereditary neoplastic syndrome; Hereditary Cancer Syndrome. Identifiers: Orphanet 140162, MedGen C0027672, MeSH D009386, MONDO:0015356.

Submissions (3):

Evidence-based Network for the Interpretation of Germline Mutant Alleles (ENIGMA)
Classification: Pathogenic for Breast-ovarian cancer, familial, susceptibility to, 2. Last evaluated: 2016-10-18. Review status: reviewed by expert panel. Criteria: ENIGMA BRCA1/2 Classification Criteria (2015). Collection method: curation. Allele origin: germline.
Comment: Variant allele predicted to encode a truncated non-functional protein.

Ambry Genetics
Classification: Pathogenic for Hereditary cancer-predisposing syndrome. Last evaluated: 2019-08-29. Review status: criteria provided, single submitter. Criteria: Ambry Variant Classification Scheme 2023. Collection method: clinical testing. Allele origin: germline. Not counted in ClinVar's aggregate classification.
Comment: The c.5665delA pathogenic mutation, located in coding exon 10 of the BRCA2 gene, results from a deletion of one nucleotide at nucleotide position 5665, causing a translational frameshift with a predicted alternate stop codon (p.I1889Lfs*20). This alteration has been described in two French families in a study BRCA1 and BRCA2 mutation carriers (Lecarpentier J et al. Breast Cancer Res., 2012 Jul;14:R99). In addition to the clinical data presented in the literature, this alteration is expected to result in loss of function by premature protein truncation or nonsense-mediated mRNA decay. As such, this alteration is interpreted as a disease-causing mutation.

Consortium of Investigators of Modifiers of BRCA1/2 (CIMBA), c/o University of Cambridge
Classification: Pathogenic for Breast-ovarian cancer, familial, susceptibility to, 2. Last evaluated: 2015-10-02. Review status: criteria provided, single submitter. Criteria: CIMBA Mutation Classification guidelines May 2016. Collection method: clinical testing. Allele origin: germline. Not counted in ClinVar's aggregate classification.

Literature cited by the submitters: PubMed 22762150 (cited by Ambry Genetics).

NM_000059.4(BRCA2):c.5665del (p.Ile1889fs)

Gene: BRCA2 (BRCA2 DNA repair associated; plus strand). Cytogenetic location: 13q13.1.
Variant type: Deletion.
Coding change: c.5665del on transcript NM_000059.4 (MANE Select); coding-DNA position 5665, one base deleted (A; older notation c.5665delA).
Protein change: p.Ile1889fs; shifts the reading frame from isoleucine 1889.
Molecular consequence: frameshift variant.
Genome position (GRCh38, 1-based): chr13:32,340,020, A deleted; the last of 4 consecutive A bases (chr13:32,340,017-32,340,020); deleting any one gives the same sequence. VCF-style (leftmost placement, unchanged base first): chr13-32340016-GA-G. GRCh37 (hg19) VCF-style: chr13-32914153-GA-G.
Other names: 5893delA-ter1908; c.5665delA (NM_000059.3).
Identifiers: ClinVar variation 51905 (VCV000051905.11), dbSNP rs397507796, ClinGen allele CA022906.